The following is an entry in ClinVar:

NM_024675.4(PALB2):c.110G>A (p.Arg37His)

Gene: PALB2 (partner and localizer of BRCA2; minus strand). Cytogenetic location: 16p12.2.
Variant type: single nucleotide variant.
Coding change: c.110G>A on transcript NM_024675.4 (MANE Select); coding-DNA position 110, G replaced by A.
Protein change: p.Arg37His; replaces arginine 37 with histidine.
Molecular consequence: missense variant.
Genome position (GRCh38, 1-based): chr16:23,637,951, C>T on the plus strand (G>A on the coding strand, the complement: PALB2 is on the minus strand). VCF-style: chr16-23637951-C-T. GRCh37 (hg19) VCF-style: chr16-23649272-C-T.
Other names: p.R37H:CGT>CAT; short protein forms R37H.
Identifiers: ClinVar variation 126590 (VCV000126590.50), dbSNP rs202194596, ClinGen allele CA288386.
Genomic context (GRCh38, chr16:23,637,951, plus strand): 5'-CAATCTTGTTCTTCTACTGTTTTCTTAATAGAATGCTTAATCTTTTCAGCTCTTTGGGCA[C>T]GCTAGAGGAGACAAAAACAGCCCCAGAAATACGTTTTCTTTAAAGTTTTATAGAGTCAAG-3'
Protein context (NP_078951.2, residues 27-47): EYSKTLARLQ[Arg37His]AQRAEKIKHS

ClinVar aggregate classification (germline): Conflicting classifications of pathogenicity. Review status: criteria provided, conflicting classifications (1 of 4 stars). 15 submissions from 15 submitters: Uncertain significance (12); Likely benign (1). 2 of the submissions do not count toward it. Last evaluated 2026-04-20.

Conditions:
PALB2-related disorder. Also called: PALB2-related disorders; PALB2-related condition.
Familial cancer of breast. Also called: hereditary breast carcinoma; Hereditary breast cancer; BREAST CANCER, FAMILIAL. Identifiers: Orphanet 227535, MedGen C0346153, MONDO:0016419, OMIM 114480. Disease mechanism: loss of function.
Fanconi anemia complementation group N. Also called: PALB2-Related Fanconi Anemia. Identifiers: Orphanet 84, MedGen C1835817, MONDO:0012565, OMIM 610832. Disease mechanism: loss of function.
Pancreatic cancer, susceptibility to, 3. Identifiers: Orphanet 1333, MedGen C3150547, MONDO:0013236, OMIM 613348.
Hereditary cancer-predisposing syndrome. Also called: Neoplastic Syndromes, Hereditary; Tumor predisposition; Hereditary Cancer Syndrome; Hereditary neoplastic syndrome. Identifiers: Orphanet 140162, MedGen C0027672, MeSH D009386, MONDO:0015356.

Allele frequency attached by ClinVar (database versions not stated): ExAC 0.00003; gnomAD 0.00003 and 0.00005; gnomAD exomes 0.00004; TOPMed 0.00005; 1000 Genomes Project 0.00060; 1000 Genomes Project 30x 0.00062.

Submissions 1 to 4 of 15:

PreventionGenetics, part of Exact Sciences
Classification: Uncertain significance for PALB2-related condition. Last evaluated: 2026-04-20. Review status: criteria provided, single submitter. Criteria: ACMG Guidelines, 2015. Collection method: clinical testing. Allele origin: germline.
Comment: The PALB2 c.110G>A variant is predicted to result in the amino acid substitution p.Arg37His. This variant has been observed in individuals with a history of breast/ovarian and colorectal cancer (Blanco et al. 2013. PubMed ID: 23935836; Pearlman et al. 2017. PubMed ID: 27978560). However, it has also been reported in control cohorts (Supplementary Table S1, Tischkowitz et al. 2012. PubMed ID: 22241545). In vitro functional studies support that this variant does not impact BRCA1 protein interactions but does reduce PALB2 homologous recombination repair activity (Foo et al. 2017. PubMed ID: 28319063). This variant is reported in 0.015% of alleles in individuals of East Asian descent in gnomAD and has conflicting interpretation in ClinVar ranging from uncertain to likely benign (Variation ID:126590). At this time, the clinical significance of this variant is uncertain due to the absence of conclusive functional and genetic evidence.

Labcorp Genetics (formerly Invitae), Labcorp
Classification: Uncertain significance for Familial cancer of breast. Last evaluated: 2026-01-22. Review status: criteria provided, single submitter. Criteria: Invitae Variant Classification Sherloc (09022015). Collection method: clinical testing. Allele origin: germline.
Comment: This sequence change replaces arginine, which is basic and polar, with histidine, which is basic and polar, at codon 37 of the PALB2 protein (p.Arg37His). This variant is present in population databases (rs202194596, gnomAD 0.006%). This missense change has been observed in individual(s) with breast cancer, colorectal cancer, prostate cancer, and/or personal or family history of breast and/or ovarian cancer (PMID: 22241545, 23934836, 23935836, 27978560, 28779002, 31214711, 33309985, 36175305). ClinVar contains an entry for this variant (Variation ID: 126590). An algorithm developed to predict the effect of missense changes on protein structure and function (PolyPhen-2) suggests that this variant is likely to be disruptive. Experimental studies are conflicting or provide insufficient evidence to determine the effect of this variant on PALB2 function (PMID: 28319063, 31586400, 31636395, 31757951, 33139182, 33195396). In summary, the available evidence is currently insufficient to determine the role of this variant in disease. Therefore, it has been classified as a Variant of Uncertain Significance.

Quest Diagnostics Nichols Institute San Juan Capistrano
Classification: Uncertain significance. Last evaluated: 2025-11-07. Review status: criteria provided, single submitter. Criteria: Quest Diagnostics criteria. Collection method: clinical testing. Allele origin: unknown.
Comment: The PALB2 c.110G>A (p.Arg37His) variant has been reported in the published literature in individuals with breast and/or ovarian cancer (PMIDs: 33811135 (2022), 33471991 (2021), 32720237 (2021), 32546565 (2021), 28779002 (2017), 23935836 (2013), 22241545 (2012), see also LOVD), prostate cancer (PMID: 31214711 (2020)), pancreatic cancer (PMID: 36175305 (2022)), and colorectal cancer (PMID: 33309985 (2020), 27978560 (2016)). This variant has also been observed in reportedly healthy individuals (PMIDs: 28779002 (2017), 33471991 (2021), see LOVD). Functional studies have reported inconclusive results on the effect this variant has on PALB2 protein function (PMIDs: 33811135 (2022), 33964450 (2021), 31636395 (2020), 31757951 (2019), 31586400 (2019), 28319063 (2017)). The frequency of this variant in the general population (Genome Aggregation Database) is uninformative in the assessment of its pathogenicity. Analysis of this variant using bioinformatics tools for the prediction of the effect of amino acid changes on protein structure and function yielded conflicting predictions that this variant is benign or damaging. Based on the available information, we are unable to determine the clinical significance of this variant.

Ambry Genetics
Classification: Uncertain significance for Hereditary cancer-predisposing syndrome. Last evaluated: 2025-10-01. Review status: criteria provided, single submitter. Criteria: Ambry Variant Classification Scheme 2023. Collection method: clinical testing. Allele origin: germline.
Comment: The p.R37H variant (also known as c.110G>A), located in coding exon 3 of the PALB2 gene, results from a G to A substitution at nucleotide position 110. The arginine at codon 37 is replaced by histidine, an amino acid with highly similar properties. One study identified this alteration in 1/565 unilateral breast cancer cases and 0/559 bilateral breast cancer cases (Tischkowitz M et al. Hum. Mutat. 2012 Apr;33:674-80). Another study identified this alteration in 1/132 BRCA1/2-negative Spanish breast/ovarian cancer families with at least one case of pancreatic cancer (Blanco A et al. PLoS ONE. 2013 Jul;8:e67538). This variant has also been identified in 1/450 individuals with early onset colorectal cancer and in 1/417 individuals with head and neck squamous cell carcinoma (Pearlman R et al. JAMA Oncol. 2017 Apr;3:464-471; Chandrasekharappa SC et al. Cancer. 2017 Oct;123:3943-3954). Functional studies demonstrate that this alteration results in mild reduction in homologous repair activity, but it does not affect PALB2-BRCA1 binding and does not confer sensitivity to platinum therapy, mitomycin C, or olaparib therapy, similar to wild-type (Foo TK et al. Oncogene. 2017 Jul;36:4161-4170). Additional studies have shown that this alteration is functionally normal in a homology-directed DNA repair (HDR) assay (Wiltshire T et al. Genet. Med., 2020 03;22:622-632), but is functionally inconclusive in PARPi sensitivity, cisplatin sensitivity, RAD51 foci formation and BRCA1/2 interaction assays (Boonen RACM et al. Nat Commun, 2019 11;10:5296, Rodrigue A et al. Nucleic Acids Res., 2019 11;47:10662-10677). This amino acid position is highly conserved in available vertebrate species. In addition, the in silico prediction for this alteration is inconclusive. Since supporting evidence is still limited at this time, the clinical significance of this alteration remains unclear.